The following is an entry in ClinVar:

ClinVar aggregate classification (somatic clinical impact): Tier I - Strong (1 of 4 stars; one submission).

Conditions:
Rhabdomyosarcoma. Also called: Rhabdomyosarcoma (disease). Identifiers: Orphanet 780, MedGen C0035412, MeSH D012208, MONDO:0005212, HP:0002859.

Submission:

Institute for Genomic Medicine (IGM) Clinical Laboratory, Nationwide Children's Hospital
Classification: Tier I - Strong for Rhabdomyosarcoma. Assertion type: diagnostic. Clinical significance: supports diagnosis. Last evaluated: 2023-11-16. Review status: criteria provided, single submitter. Criteria: AMP/ASCO/CAP Guidelines, 2017. Collection method: clinical testing. Allele origin: somatic. Affected: yes.
Comment: Variant has Tier I (strong) clinical significance as a diagnostic inclusion criterion in rhabdomyosarcoma, based on the following evidence: 1) Documented in one or more cancer databases (e.g., St. Jude Pecan, COSMIC, CIViC, OncoKB). 2) Appears in one or more well-established professional guidelines (e.g., World Health Organization [WHO]; National Comprehensive Cancer Network [NCCN]) as providing diagnostic, prognostic, or therapeutic information. 3) Diagnostic for a specific tumor type/classification based on well-powered studies with expert-level consensus (Evidence Level B; PMIDs: 24436047, 34166060, 19681119, 24332040, 25768946).

Literature cited by the submitters: PubMed 24436047; PubMed 34166060; PubMed 19681119; PubMed 24332040; PubMed 25768946.

NM_005343.4(HRAS):c.351G>C (p.Lys117Asn)

Genes: HRAS (HRas proto-oncogene, GTPase; minus strand), LRRC56 (leucine rich repeat containing 56; plus strand). Cytogenetic location: 11p15.5.
Variant type: single nucleotide variant.
Coding change: c.351G>C on transcript NM_005343.4 (MANE Select); coding-DNA position 351, G replaced by C.
Protein change: p.Lys117Asn; replaces lysine 117 with asparagine.
Molecular consequence: missense variant. On other transcripts: intron variant (2).
Genome position (GRCh38, 1-based): chr11:533,552, C>G on the plus strand (G>C on the coding strand, the complement: HRAS is on the minus strand). VCF-style: chr11-533552-C-G. GRCh37 (hg19) VCF-style: chr11-533552-C-G.
Other names: c.351G>C, p.Lys117Asn (NM_001130442.3, NM_176795.5); c.32G>C, p.Ser11Thr (NM_001318054.2); c.-162+5215C>G (NM_001441284.1, NM_001441286.1); short protein forms K117N, S11T.
Identifiers: ClinVar variation 4530462 (VCV004530462.1).
Genomic context (GRCh38, chr11:533,552, plus strand): 5'-GTAGCTTCGGGCGAGGTCCTGAGCCTGCCGAGATTCCACAGTGCGTGCAGCCAGGTCACA[C>G]TTGTTCCCCACCAGCACCATGGGCACGTCATCCGAGTCCTTCACCCGTTTGATCTGCTCC-3'
Protein context (NP_005334.1, residues 107-127): DDVPMVLVGN[Lys117Asn]CDLAARTVES